The following is an entry in ClinVar:

NM_006885.4(ZFHX3):c.10841G>C (p.Arg3614Thr)

Genes: ZFHX3 (zinc finger homeobox 3; minus strand), ZFHX3-AS1 (ZFHX3 antisense RNA 1; plus strand). Cytogenetic location: 16q22.2.
Variant type: single nucleotide variant.
Coding change: c.10841G>C on transcript NM_006885.4 (MANE Select); coding-DNA position 10841, G replaced by C.
Protein change: p.Arg3614Thr; replaces arginine 3614 with threonine.
Molecular consequence: missense variant. On other transcripts: non-coding transcript variant (1).
Genome position (GRCh38, 1-based): chr16:72,787,435, C>G on the plus strand (G>C on the coding strand, the complement: ZFHX3 is on the minus strand). VCF-style: chr16-72787435-C-G. GRCh37 (hg19) VCF-style: chr16-72821334-C-G.
Other names: c.8099G>C, p.Arg2700Thr (NM_001164766.2); c.10841G>C, p.Arg3614Thr (NM_001386735.1); short protein forms R3614T, R2700T.
Identifiers: ClinVar variation 3192973 (VCV003192973.4), dbSNP rs760832768, ClinGen allele CA8162268.

ClinVar aggregate classification (germline): Conflicting classifications of pathogenicity. Review status: criteria provided, conflicting classifications (1 of 4 stars). 2 submissions from 2 submitters: Uncertain significance (1); Likely benign (1). Last evaluated 2025-12-08.

Allele frequency attached by ClinVar (database versions not stated): ExAC 0.00003.
gnomAD v4.1: 39 of 1,453,006 alleles (0.0027%); highest among the groups gnomAD compares: African/African-American, 0.046%; no homozygotes.

Submissions (2):

Ambry Genetics
Classification: Uncertain significance. Last evaluated: 2025-12-08. Review status: criteria provided, single submitter. Criteria: Ambry Variant Classification Scheme 2023. Collection method: clinical testing. Allele origin: germline.

Dasa
Classification: Likely benign. Last evaluated: 2025-04-03. Review status: criteria provided, single submitter. Criteria: DASA Assertion Criteria. Collection method: clinical testing. Allele origin: germline.
Comment: NM_006885.4(ZFHX3):c.10841G>C (p.Arg3614Thr) is a missense variant that results in the substitution of arginine with threonine. Population frequency is inconsistent with a disease-causing role for this variant. Computational prediction algorithms are consistent with a benign effect. Therefore, based on the currently available evidence, this variant is classified as likely benign.